The following is an entry in ClinVar:

NM_002230.4(JUP):c.1158+1G>T

Gene: JUP (junction plakoglobin; minus strand). Cytogenetic location: 17q21.2.
Variant type: single nucleotide variant.
Coding change: c.1158+1G>T on transcript NM_002230.4 (MANE Select); the canonical splice donor site of the intron after coding-DNA position 1158, G replaced by T.
Molecular consequence: splice donor variant.
Genome position (GRCh38, 1-based): chr17:41,764,712, C>A on the plus strand (G>T on the coding strand, the complement: JUP is on the minus strand). VCF-style: chr17-41764712-C-A. GRCh37 (hg19) VCF-style: chr17-39920964-C-A.
Other names: c.1158+1G>T (NM_001352774.2, NM_021991.4, NM_001352776.2 and 3 more transcripts).
Identifiers: ClinVar variation 1067032 (VCV001067032.7), dbSNP rs2143591648, ClinGen allele CA399498508.

ClinVar aggregate classification (germline): Likely pathogenic (1 of 4 stars; one submission).

Conditions:
Naxos disease (NXD). Also called: KERATOSIS PALMOPLANTARIS WITH ARRHYTHMOGENIC CARDIOMYOPATHY; MAL DE NAXOS; PALMOPLANTAR KERATODERMA WITH ARRHYTHMOGENIC RIGHT VENTRICULAR CARDIOMYOPATHY AND WOOLLY HAIR; CARDIOMYOPATHY, ARRHYTHMOGENIC RIGHT VENTRICULAR, WITH SKIN, HAIR, AND NAIL ABNORMALITIES; WOOLLY HAIR, PALMOPLANTAR KERATODERMA, AND CARDIAC ABNORMALITIES. Identifiers: Orphanet 34217, MedGen C1832600, MONDO:0011017, OMIM 601214.
Arrhythmogenic right ventricular dysplasia 12. Also called: ARRHYTHMOGENIC RIGHT VENTRICULAR DYSPLASIA, FAMILIAL, 12. Identifiers: MedGen C1969081, MONDO:0012684, OMIM 611528.

Allele frequency attached by ClinVar (database versions not stated): gnomAD exomes below 0.00001.
gnomAD v4.1: 1 of 1,612,288 alleles (0.000062%); highest among the groups gnomAD compares: East Asian, 0.0022%; no homozygotes.

Submission:

Labcorp Genetics (formerly Invitae), Labcorp
Classification: Likely pathogenic for Arrhythmogenic right ventricular dysplasia 12; Naxos disease. Last evaluated: 2020-08-04. Review status: criteria provided, single submitter. Criteria: Invitae Variant Classification Sherloc (09022015). Collection method: clinical testing. Allele origin: germline.
Comment: This sequence change affects a donor splice site in intron 7 of the JUP gene. It is expected to disrupt RNA splicing and likely results in an absent or disrupted protein product. This variant is not present in population databases (ExAC no frequency). This variant has not been reported in the literature in individuals with JUP-related conditions. Algorithms developed to predict the effect of sequence changes on RNA splicing suggest that this variant may disrupt the consensus splice site, but this prediction has not been confirmed by published transcriptional studies. Donor and acceptor splice site variants typically lead to a loss of protein function (PMID: 16199547), and loss-of-function variants in JUP are known to be pathogenic (PMID: 10902626). In summary, the currently available evidence indicates that the variant is pathogenic, but additional data are needed to prove that conclusively. Therefore, this variant has been classified as Likely Pathogenic.

Literature cited by the submitters: PubMed 16199547; PubMed 10902626.